The following is an entry in ClinVar:

ClinVar aggregate classification (germline): Uncertain significance. Review status: criteria provided, multiple submitters, no conflicts (2 of 4 stars). 3 submissions from 3 submitters: Uncertain significance (3). Last evaluated 2025-05-28.

Conditions:
Epidermolysis bullosa simplex 5B, with muscular dystrophy (EBS5B). Also called: Epidermolysis bullosa simplex with muscular dystrophy; EPIDERMOLYSIS BULLOSA SIMPLEX AND LIMB-GIRDLE MUSCULAR DYSTROPHY. Identifiers: Orphanet 257, MedGen C2931072, MONDO:0009181, OMIM 226670.
Epidermolysis bullosa simplex 5C, with pyloric atresia (EBS5C). Also called: Epidermolysis bullosa simplex with pyloric atresia; PLEC-Related Epidermolysis Bullosa with Pyloric Atresia; PLEC1-Related Epidermolysis Bullosa with Pyloric Atresia. Identifiers: Orphanet 158684, MedGen C2677349, MONDO:0012807, OMIM 612138.
Epidermolysis bullosa simplex, Ogna type (EBS5A). Also called: Pidermolysis bullosa simplex 5A, Ogna type; EPIDERMOLYSIS BULLOSA SIMPLEX 5A, OGNA TYPE. Identifiers: Orphanet 79401, MedGen C0432317, MONDO:0007555, OMIM 131950.
Autosomal recessive limb-girdle muscular dystrophy type 2Q (LGMDR17). Also called: MUSCULAR DYSTROPHY, LIMB-GIRDLE, AUTOSOMAL RECESSIVE 17. Identifiers: Orphanet 254361, MedGen C3150989, MONDO:0013390, OMIM 613723.
Epidermolysis bullosa simplex with nail dystrophy (EBS5D). Identifiers: MedGen C4225309, MONDO:0014661, OMIM 616487.
Inborn genetic diseases. Identifiers: MedGen C0950123, MeSH D030342.

Allele frequency attached by ClinVar (database versions not stated): ExAC 0.00001; gnomAD exomes 0.00001; gnomAD 0.00004; TOPMed 0.00004.
gnomAD v4.1: 26 of 1,598,028 alleles (0.0016%); highest among the groups gnomAD compares: Admixed American, 0.013%; no homozygotes.

Submissions (3):

Ambry Genetics
Classification: Uncertain significance for Inborn genetic diseases. Last evaluated: 2025-05-28. Review status: criteria provided, single submitter. Criteria: Ambry Variant Classification Scheme 2023. Collection method: clinical testing. Allele origin: germline.

Revvity Omics, Revvity
Classification: Uncertain significance. Last evaluated: 2025-04-18. Review status: criteria provided, single submitter. Criteria: ACMG Guidelines, 2015. Collection method: clinical testing. Allele origin: germline.

Labcorp Genetics (formerly Invitae), Labcorp
Classification: Uncertain significance for Autosomal recessive limb-girdle muscular dystrophy type 2Q; Epidermolysis bullosa simplex, Ogna type; Epidermolysis bullosa simplex with nail dystrophy; Epidermolysis bullosa simplex 5C, with pyloric atresia; Epidermolysis bullosa simplex 5B, with muscular dystrophy. Last evaluated: 2023-06-20. Review status: criteria provided, single submitter. Criteria: Invitae Variant Classification Sherloc (09022015). Collection method: clinical testing. Allele origin: germline.
Comment: In summary, the available evidence is currently insufficient to determine the role of this variant in disease. Therefore, it has been classified as a Variant of Uncertain Significance. Advanced modeling of protein sequence and biophysical properties (such as structural, functional, and spatial information, amino acid conservation, physicochemical variation, residue mobility, and thermodynamic stability) has been performed at Invitae for this missense variant, however the output from this modeling did not meet the statistical confidence thresholds required to predict the impact of this variant on PLEC protein function. ClinVar contains an entry for this variant (Variation ID: 1054196). This variant has not been reported in the literature in individuals affected with PLEC-related conditions. This variant is present in population databases (rs782350311, gnomAD 0.009%). This sequence change replaces proline, which is neutral and non-polar, with leucine, which is neutral and non-polar, at codon 1264 of the PLEC protein (p.Pro1264Leu).

NM_201384.3(PLEC):c.3710C>T (p.Pro1237Leu)

Gene: PLEC (plectin; minus strand). Cytogenetic location: 8q24.3.
Variant type: single nucleotide variant.
Coding change: c.3710C>T on transcript NM_201384.3 (MANE Select); coding-DNA position 3710, C replaced by T.
Protein change: p.Pro1237Leu; replaces proline 1237 with leucine.
Molecular consequence: missense variant.
Genome position (GRCh38, 1-based): chr8:143,927,456, G>A on the plus strand (C>T on the coding strand, the complement: PLEC is on the minus strand). VCF-style: chr8-143927456-G-A. GRCh37 (hg19) VCF-style: chr8-145001624-G-A.
Other names: c.3791C>T, p.Pro1264Leu (NM_000445.5); c.3668C>T, p.Pro1223Leu (NM_201378.4); c.3644C>T, p.Pro1215Leu (NM_201379.3); c.4121C>T, p.Pro1374Leu (NM_201380.4); c.3614C>T, p.Pro1205Leu (NM_201381.3); c.3710C>T, p.Pro1237Leu (NM_201382.4); c.3722C>T, p.Pro1241Leu (NM_201383.3); c.3791C>T (NM_000445.3); short protein forms P1205L, P1215L, P1223L, P1237L, P1241L, P1264L, P1374L.
Identifiers: ClinVar variation 1054196 (VCV001054196.7), dbSNP rs782350311, ClinGen allele CA4926979.